The following is an entry in ClinVar:

ClinVar aggregate classification (germline): Uncertain significance. Review status: criteria provided, multiple submitters, no conflicts (2 of 4 stars). 2 submissions from 2 submitters: Uncertain significance (2). Last evaluated 2023-11-27.

Allele frequency attached by ClinVar (database versions not stated): gnomAD exomes below 0.00001.
gnomAD v4.1: 1 of 1,613,962 alleles (0.000062%); highest among the groups gnomAD compares: Non-Finnish European, 0.000085%; no homozygotes.

Submissions (2):

Labcorp Genetics (formerly Invitae), Labcorp
Classification: Uncertain significance. Last evaluated: 2023-11-27. Review status: criteria provided, single submitter. Criteria: Invitae Variant Classification Sherloc (09022015). Collection method: clinical testing. Allele origin: germline.
Comment: This sequence change replaces histidine, which is basic and polar, with proline, which is neutral and non-polar, at codon 578 of the DARS2 protein (p.His578Pro). This variant is not present in population databases (gnomAD no frequency). This variant has not been reported in the literature in individuals affected with DARS2-related conditions. ClinVar contains an entry for this variant (Variation ID: 2000797). Advanced modeling of protein sequence and biophysical properties (such as structural, functional, and spatial information, amino acid conservation, physicochemical variation, residue mobility, and thermodynamic stability) performed at Invitae indicates that this missense variant is expected to disrupt DARS2 protein function with a positive predictive value of 80%. In summary, the available evidence is currently insufficient to determine the role of this variant in disease. Therefore, it has been classified as a Variant of Uncertain Significance.

Blueprint Genetics
Classification: Uncertain significance. Last evaluated: 2021-05-24. Review status: criteria provided, single submitter. Criteria: ACMG Guidelines, 2015. Collection method: clinical testing. Allele origin: germline.

NM_018122.5(DARS2):c.1733A>C (p.His578Pro)

Gene: DARS2 (aspartyl-tRNA synthetase 2, mitochondrial; plus strand). Cytogenetic location: 1q25.1.
Variant type: single nucleotide variant.
Coding change: c.1733A>C on transcript NM_018122.5 (MANE Select); coding-DNA position 1733, A replaced by C.
Protein change: p.His578Pro; replaces histidine 578 with proline.
Molecular consequence: missense variant.
Genome position (GRCh38, 1-based): chr1:173,856,724, A>C. VCF-style: chr1-173856724-A-C. GRCh37 (hg19) VCF-style: chr1-173825862-A-C.
Other names: c.1580A>C, p.His527Pro (NM_001365212.1); short protein forms H578P, H527P.
Identifiers: ClinVar variation 2000797 (VCV002000797.5), dbSNP rs2525938975, ClinGen allele CA343767503.